The following is an entry in ClinVar:

ClinVar aggregate classification (germline): Uncertain significance (1 of 4 stars; one submission).

Conditions:
Adams-Oliver syndrome 5 (AOS5). Identifiers: Orphanet 974, MedGen C4014970, MONDO:0014459, OMIM 616028.

Submission:

Labcorp Genetics (formerly Invitae), Labcorp
Classification: Uncertain significance for Adams-Oliver syndrome 5. Last evaluated: 2025-12-09. Review status: criteria provided, single submitter. Criteria: Invitae Variant Classification Sherloc (09022015). Collection method: clinical testing. Allele origin: germline.
Comment: This sequence change replaces glutamic acid, which is acidic and polar, with aspartic acid, which is acidic and polar, at codon 1904 of the NOTCH1 protein (p.Glu1904Asp). This variant is not present in population databases (gnomAD no frequency). This variant has not been reported in the literature in individuals affected with NOTCH1-related conditions. ClinVar contains an entry for this variant (Variation ID: 1714567). Invitae Evidence Modeling of protein sequence and biophysical properties (such as structural, functional, and spatial information, amino acid conservation, physicochemical variation, residue mobility, and thermodynamic stability) indicates that this missense variant is not expected to disrupt NOTCH1 protein function with a negative predictive value of 80%. In summary, the available evidence is currently insufficient to determine the role of this variant in disease. Therefore, it has been classified as a Variant of Uncertain Significance.

NM_017617.5(NOTCH1):c.5712G>T (p.Glu1904Asp)

Gene: NOTCH1 (notch receptor 1; minus strand). Cytogenetic location: 9q34.3.
Variant type: single nucleotide variant.
Coding change: c.5712G>T on transcript NM_017617.5 (MANE Select); coding-DNA position 5712, G replaced by T.
Protein change: p.Glu1904Asp; replaces glutamic acid 1904 with aspartic acid.
Molecular consequence: missense variant.
Genome position (GRCh38, 1-based): chr9:136,500,774, C>A on the plus strand (G>T on the coding strand, the complement: NOTCH1 is on the minus strand). VCF-style: chr9-136500774-C-A. GRCh37 (hg19) VCF-style: chr9-139395226-C-A.
Other names: short protein forms E1904D.
Identifiers: ClinVar variation 1714567 (VCV001714567.5), dbSNP rs1842982880, ClinGen allele CA375637517.